The following is an entry in ClinVar:

NM_001201.5(BMP3):c.575G>A (p.Arg192Gln)

Gene: BMP3 (bone morphogenetic protein 3; plus strand). Cytogenetic location: 4q21.21.
Variant type: single nucleotide variant.
Coding change: c.575G>A on transcript NM_001201.5 (MANE Select); coding-DNA position 575, G replaced by A.
Protein change: p.Arg192Gln; replaces arginine 192 with glutamine.
Molecular consequence: missense variant.
Genome position (GRCh38, 1-based): chr4:81,045,996, G>A. VCF-style: chr4-81045996-G-A. GRCh37 (hg19) VCF-style: chr4-81967150-G-A.
Other names: short protein forms R192Q.
Identifiers: ClinVar variation 3900045 (VCV003900045.1).

ClinVar aggregate classification (germline): drug response (0 of 4 stars; one submission).

Conditions:
Thalidomide response. Identifiers: MedGen CN297989.

gnomAD v4.1: 130,013 of 1,613,884 alleles (8.1%); highest among the groups gnomAD compares: South Asian, 23%; 6,786 homozygotes.

Submission:

Rare Diseases Genetics and Genomics, Islamia College Peshawar
Classification: drug response for Thalidomide response. Review status: no assertion criteria provided. Collection method: research. Allele origin: germline. Affected: yes.
Comment: this variant was associated with excellent response to thalidomide (achieving transfusion independence)